The following is an entry in ClinVar:

NC_000012.11:g.(?_33049423)_(33049665_?)del

Gene: PKP2 (plakophilin 2; minus strand). Cytogenetic location: 12p11.21.
Variant type: Deletion.
Identifiers: ClinVar variation 3244292 (VCV003244292.1).

ClinVar aggregate classification (germline): Pathogenic (1 of 4 stars; one submission).

Conditions:
Arrhythmogenic right ventricular dysplasia 9 (ARVD9). Also called: Arrhythmogenic Right Ventricular Dysplasia/Cardiomyopathy 9; ARRHYTHMOGENIC RIGHT VENTRICULAR DYSPLASIA, FAMILIAL, 9. Identifiers: MedGen C1836906, MONDO:0012180, OMIM 609040.

Submission:

Labcorp Genetics (formerly Invitae), Labcorp
Classification: Pathogenic for Arrhythmogenic right ventricular dysplasia 9. Last evaluated: 2022-01-23. Review status: criteria provided, single submitter. Criteria: Invitae Variant Classification Sherloc (09022015). Collection method: clinical testing. Allele origin: unknown.
Comment: For these reasons, this variant has been classified as Pathogenic. A similar copy number variant has been observed in individual(s) with arrhythmogenic cardiomyopathy (PMID: 29511324). This variant is a gross deletion of the genomic region encompassing exon(s) 1 of the PKP2 gene, which includes the initiator codon. This deletion extends beyond the assayed region for this gene and therefore may encompass additional genes. It is expected to result in an absent or disrupted protein product. Loss-of-function variants in PKP2 are known to be pathogenic (PMID: 15489853, 23911551).

Literature cited by the submitters: PubMed 29511324; PubMed 15489853; PubMed 23911551.